The following is an entry in ClinVar:

NM_006397.3(RNASEH2A):c.323+8G>A

Gene: RNASEH2A (ribonuclease H2 subunit A; plus strand). Cytogenetic location: 19p13.13.
Variant type: single nucleotide variant.
Coding change: c.323+8G>A on transcript NM_006397.3 (MANE Select); 8 bases into the intron after coding-DNA position 323, G replaced by A.
Molecular consequence: intron variant.
Genome position (GRCh38, 1-based): chr19:12,807,337, G>A. VCF-style: chr19-12807337-G-A. GRCh37 (hg19) VCF-style: chr19-12918151-G-A.
Identifiers: ClinVar variation 3033435 (VCV003033435.3), dbSNP rs2512890321, ClinGen allele CA2576637717.

ClinVar aggregate classification (germline): Likely benign. Review status: criteria provided, single submitter (1 of 4 stars). 2 submissions from 2 submitters: Likely benign (1). 1 of the submissions does not count toward it. Last evaluated 2022-11-21.

Conditions:
RNASEH2A-related disorder. Also called: RNASEH2A-related condition.

Allele frequency attached by ClinVar (database versions not stated): gnomAD exomes below 0.00001.
gnomAD v4.1: 5 of 1,614,164 alleles (0.00031%); highest among the groups gnomAD compares: Non-Finnish European, 0.00042%; no homozygotes.

Submissions (2):

Blueprint Genetics
Classification: Likely benign. Last evaluated: 2022-11-21. Review status: criteria provided, single submitter. Criteria: ACMG Guidelines, 2015. Collection method: clinical testing. Allele origin: germline.

PreventionGenetics, part of Exact Sciences
Classification: Likely benign for RNASEH2A-related condition. Last evaluated: 2019-06-07. Review status: no assertion criteria provided. Collection method: clinical testing. Allele origin: germline. Not counted in ClinVar's aggregate classification.
Comment: This variant is classified as likely benign based on ACMG/AMP sequence variant interpretation guidelines (Richards et al. 2015 PMID: 25741868, with internal and published modifications).